The following is an entry in ClinVar:

NM_017837.4(PIGV):c.879G>A (p.Pro293=)

Gene: PIGV (phosphatidylinositol glycan anchor biosynthesis class V; plus strand). Cytogenetic location: 1p36.11.
Variant type: single nucleotide variant.
Coding change: c.879G>A on transcript NM_017837.4 (MANE Select); coding-DNA position 879, G replaced by A.
Protein change: p.Pro293=; no amino-acid change (proline 293 retained).
Molecular consequence: synonymous variant. On other transcripts: non-coding transcript variant (1), intron variant (1).
Genome position (GRCh38, 1-based): chr1:26,794,913, G>A. VCF-style: chr1-26794913-G-A. GRCh37 (hg19) VCF-style: chr1-27121404-G-A.
Other names: c.879G>A, p.Pro293= (NM_001202554.2, NM_001374478.1, NM_001374480.1 and 2 more transcripts); c.498G>A, p.Pro166= (NM_001374483.1); c.252G>A, p.Pro84= (NM_001374484.1, NM_001374485.1); c.79-2650G>A (NM_001374486.1).
Identifiers: ClinVar variation 384153 (VCV000384153.18), dbSNP rs147229452, ClinGen allele CA708135.
Genomic context (GRCh38, chr1:26,794,913, plus strand): 5'-TGAGCCTTTGGTACAGTTAGCTGTAGACAAGGGCTACCGGATTGCAGAGGGAAATGAACC[G>A]CCTTGGTGCTTCTGGGATGTTCCACTAATATACAGCTATATCCAGGATGTCTACTGGAAT-3'
Protein context (NP_060307.2, residues 283-303): KGYRIAEGNE[Pro293=]PWCFWDVPLI

ClinVar aggregate classification (germline): Conflicting classifications of pathogenicity. Review status: criteria provided, conflicting classifications (1 of 4 stars). 6 submissions from 6 submitters: Uncertain significance (1); Likely benign (5). Last evaluated 2026-06-01.

Conditions:
PIGV-related disorder. Also called: PIGV-related condition; PIGV-related disorders.
Hyperphosphatasia with impaired intellectual development syndrome 1. Also called: MABRY SYNDROME; GLYCOSYLPHOSPHATIDYLINOSITOL BIOSYNTHESIS DEFECT 2; Hyperphosphatasia with intellectual disability syndrome 1. Identifiers: Orphanet 247262, MedGen C4551502, MONDO:0009398, OMIM 239300.

Allele frequency attached by ClinVar (database versions not stated): ESP Exome Variant Server 0.00015; gnomAD 0.00029 and 0.00031; TOPMed 0.00034; ExAC 0.00007; gnomAD exomes 0.00009 and 0.00003; 1000 Genomes Project 0.00060; 1000 Genomes Project 30x 0.00062.
gnomAD v4.1: 97 of 1,614,120 alleles (0.006%); highest among the groups gnomAD compares: African/African-American, 0.083%; no homozygotes.

Submissions (6):

CeGaT Center for Human Genetics Tuebingen
Classification: Likely benign. Last evaluated: 2026-06-01. Review status: criteria provided, single submitter. Criteria: CeGaT Center For Human Genetics Tuebingen Variant Classification Criteria Version 2. Collection method: clinical testing. Allele origin: germline. Affected: yes. Observed: 1 variant allele.
Comment: PIGV: BP4, BP7

Labcorp Genetics (formerly Invitae), Labcorp
Classification: Likely benign. Last evaluated: 2025-12-22. Review status: criteria provided, single submitter. Criteria: Invitae Variant Classification Sherloc (09022015). Collection method: clinical testing. Allele origin: germline.

PreventionGenetics, part of Exact Sciences
Classification: Likely benign for PIGV-related condition. Last evaluated: 2025-03-18. Review status: criteria provided, single submitter. Criteria: ACMG Guidelines, 2015. Collection method: clinical testing. Allele origin: germline.
Comment: This variant is classified as likely benign based on ACMG/AMP sequence variant interpretation guidelines (Richards et al. 2015 PMID: 25741868, with internal and published modifications).

Blueprint Genetics
Classification: Likely benign. Last evaluated: 2024-11-05. Review status: criteria provided, single submitter. Criteria: ACMG Guidelines, 2015. Collection method: clinical testing. Allele origin: germline.

GeneDx
Classification: Likely benign. Last evaluated: 2021-05-11. Review status: criteria provided, single submitter. Criteria: GeneDx Variant Classification Process June 2021. Collection method: clinical testing. Allele origin: germline. Affected: yes.

Illumina Laboratory Services, Illumina
Classification: Uncertain significance for Hyperphosphatasia with impaired intellectual development syndrome 1. Last evaluated: 2018-01-13. Review status: criteria provided, single submitter. Criteria: ICSL Variant Classification Criteria 13 December 2019. Collection method: clinical testing. Allele origin: germline.